The following is an entry in ClinVar:

ClinVar aggregate classification (germline): Likely benign. Review status: criteria provided, multiple submitters, no conflicts (2 of 4 stars). 2 submissions from 2 submitters: Likely benign (2). Last evaluated 2025-11-27.

Conditions:
PIGQ-related disorder. Also called: PIGQ-related condition.
Epilepsy. Also called: Seizure disorder. Identifiers: MedGen C0014544, MeSH D004827, MONDO:0005027.

Allele frequency attached by ClinVar (database versions not stated): ExAC 0.00004; gnomAD 0.00004 and 0.00005; gnomAD exomes 0.00005 and 0.00006; TOPMed 0.00006.
gnomAD v4.1: 83 of 1,613,658 alleles (0.0051%); highest among the groups gnomAD compares: Non-Finnish European, 0.0054%; no homozygotes.

Submissions (2):

Labcorp Genetics (formerly Invitae), Labcorp
Classification: Likely benign for Epilepsy. Last evaluated: 2025-11-27. Review status: criteria provided, single submitter. Criteria: Invitae Variant Classification Sherloc (09022015). Collection method: clinical testing. Allele origin: germline.

PreventionGenetics, part of Exact Sciences
Classification: Likely benign for PIGQ-related condition. Last evaluated: 2025-01-13. Review status: criteria provided, single submitter. Criteria: ACMG Guidelines, 2015. Collection method: clinical testing. Allele origin: germline.
Comment: This variant is classified as likely benign based on ACMG/AMP sequence variant interpretation guidelines (Richards et al. 2015 PMID: 25741868, with internal and published modifications).

NM_004204.5(PIGQ):c.1137G>A (p.Leu379=)

Gene: PIGQ (phosphatidylinositol glycan anchor biosynthesis class Q; plus strand). Cytogenetic location: 16p13.3.
Variant type: single nucleotide variant.
Coding change: c.1137G>A on transcript NM_004204.5 (MANE Select); coding-DNA position 1137, G replaced by A.
Protein change: p.Leu379=; no amino-acid change (leucine 379 retained).
Molecular consequence: synonymous variant.
Genome position (GRCh38, 1-based): chr16:578,852, G>A. VCF-style: chr16-578852-G-A. GRCh37 (hg19) VCF-style: chr16-628852-G-A.
Other names: c.1137G>A, p.Leu379= (NM_148920.4).
Identifiers: ClinVar variation 837853 (VCV000837853.10), dbSNP rs756438231, ClinGen allele CA7780131.
Genomic context (GRCh38, chr16:578,852, plus strand): 5'-CCACCTCATGTCCCCCTTCGTGGAGCACATCCTTTGGCACGTGGGCCTCTCGGCCTGCCT[G>A]GGCCTGACGGTGGCCCTGTCCCTCCTCTCGGACATTATCGCCCTCCTCACCTTCCACATC-3'
Protein context (NP_004195.2, residues 369-389): ILWHVGLSAC[Leu379=]GLTVALSLLS